The following is an entry in ClinVar:

ClinVar aggregate classification (germline): Uncertain significance (1 of 4 stars; one submission).

gnomAD v4.1: 2 of 1,613,312 alleles (0.00012%); highest among the groups gnomAD compares: Non-Finnish European, 0.00017%; no homozygotes.

Submission:

Labcorp Genetics (formerly Invitae), Labcorp
Classification: Uncertain significance. Last evaluated: 2024-12-15. Review status: criteria provided, single submitter. Criteria: Invitae Variant Classification Sherloc (09022015). Collection method: clinical testing. Allele origin: germline.
Comment: This sequence change replaces proline, which is neutral and non-polar, with alanine, which is neutral and non-polar, at codon 771 of the KMT2B protein (p.Pro771Ala). This variant is not present in population databases (gnomAD no frequency). This variant has not been reported in the literature in individuals affected with KMT2B-related conditions. Invitae Evidence Modeling of protein sequence and biophysical properties (such as structural, functional, and spatial information, amino acid conservation, physicochemical variation, residue mobility, and thermodynamic stability) indicates that this missense variant is not expected to disrupt KMT2B protein function with a negative predictive value of 95%. In summary, the available evidence is currently insufficient to determine the role of this variant in disease. Therefore, it has been classified as a Variant of Uncertain Significance.

NM_014727.3(KMT2B):c.2311C>G (p.Pro771Ala)

Gene: KMT2B (lysine methyltransferase 2B; plus strand). Cytogenetic location: 19q13.12.
Variant type: single nucleotide variant.
Coding change: c.2311C>G on transcript NM_014727.3 (MANE Select); coding-DNA position 2311, C replaced by G.
Protein change: p.Pro771Ala; replaces proline 771 with alanine.
Molecular consequence: missense variant.
Genome position (GRCh38, 1-based): chr19:35,721,658, C>G. VCF-style: chr19-35721658-C-G. GRCh37 (hg19) VCF-style: chr19-36212560-C-G.
Other names: short protein forms P771A.
Identifiers: ClinVar variation 3675939 (VCV003675939.2).